The following is an entry in ClinVar:

ClinVar aggregate classification (germline): Pathogenic/Likely pathogenic. Review status: criteria provided, multiple submitters, no conflicts (2 of 4 stars). 3 submissions from 3 submitters: Pathogenic (1); Likely pathogenic (2). Last evaluated 2025-06-10.

Conditions:
Charcot-Marie-Tooth disease type 2. Also called: Charcot-Marie-Tooth type 2. Identifiers: Orphanet 64746, MedGen C0270914, MONDO:0018993.

Submissions (3):

GeneDx
Classification: Likely pathogenic. Last evaluated: 2025-06-10. Review status: criteria provided, single submitter. Criteria: GeneDx Variant Classification Process June 2021. Collection method: clinical testing. Allele origin: germline. Affected: yes.
Comment: Not observed at significant frequency in large population cohorts (gnomAD); In silico analysis supports that this missense variant has a deleterious effect on protein structure/function; This variant is associated with the following publications: (PMID: 24863639, 25614874, 33415332, 30642740)

Labcorp Genetics (formerly Invitae), Labcorp
Classification: Pathogenic for Charcot-Marie-Tooth disease type 2. Last evaluated: 2022-11-10. Review status: criteria provided, single submitter. Criteria: Invitae Variant Classification Sherloc (09022015). Collection method: clinical testing. Allele origin: germline.
Comment: This missense change has been observed in individual(s) with autosomal dominant Charcot-Marie-Tooth disease (PMID: 30642740). It has also been observed to segregate with disease in related individuals. This variant is not present in population databases (gnomAD no frequency). This sequence change replaces arginine, which is basic and polar, with glycine, which is neutral and non-polar, at codon 95 of the MFN2 protein (p.Arg95Gly). For these reasons, this variant has been classified as Pathogenic. This variant disrupts the p.Arg95 amino acid residue in MFN2. Other variant(s) that disrupt this residue have been determined to be pathogenic (Invitae). This suggests that this residue is clinically significant, and that variants that disrupt this residue are likely to be disease-causing. Advanced modeling of protein sequence and biophysical properties (such as structural, functional, and spatial information, amino acid conservation, physicochemical variation, residue mobility, and thermodynamic stability) performed at Invitae indicates that this missense variant is expected to disrupt MFN2 protein function. ClinVar contains an entry for this variant (Variation ID: 408326).

Athena Diagnostics
Classification: Likely pathogenic. Last evaluated: 2022-06-02. Review status: criteria provided, single submitter. Criteria: Athena Diagnostics Criteria. Collection method: clinical testing. Allele origin: unknown.
Comment: This variant segregates with Charcot-Marie-Tooth disease in at least one family. This variant has not been reported in large, multi-ethnic general populations. The variant is located in a region that is considered important for protein function and/or structure.

Literature cited by the submitters: PubMed 30642740 (cited by Labcorp Genetics (formerly Invitae), Labcorp and Athena Diagnostics).

NM_014874.4(MFN2):c.283A>G (p.Arg95Gly)

Gene: MFN2 (mitofusin 2; plus strand). Cytogenetic location: 1p36.22.
Variant type: single nucleotide variant.
Coding change: c.283A>G on transcript NM_014874.4 (MANE Select); coding-DNA position 283, A replaced by G.
Protein change: p.Arg95Gly; replaces arginine 95 with glycine.
Molecular consequence: missense variant.
Genome position (GRCh38, 1-based): chr1:11,992,662, A>G. VCF-style: chr1-11992662-A-G. GRCh37 (hg19) VCF-style: chr1-12052719-A-G.
Other names: c.283A>G, p.Arg95Gly (NM_001127660.2); short protein forms R95G.
Identifiers: ClinVar variation 408326 (VCV000408326.10), dbSNP rs1060501920, ClinGen allele CA16609877.